The following is an entry in ClinVar:

NM_013372.7(GREM1):c.120G>A (p.Gln40=)

Gene: GREM1 (gremlin 1, DAN family BMP antagonist; plus strand). Cytogenetic location: 15q13.3.
Variant type: single nucleotide variant.
Coding change: c.120G>A on transcript NM_013372.7 (MANE Select); coding-DNA position 120, G replaced by A.
Protein change: p.Gln40=; no amino-acid change (glutamine 40 retained).
Molecular consequence: synonymous variant. On other transcripts: intron variant (2).
Genome position (GRCh38, 1-based): chr15:32,730,810, G>A. VCF-style: chr15-32730810-G-A. GRCh37 (hg19) VCF-style: chr15-33023011-G-A.
Other names: c.120G>A, p.Gln40= (NM_001368719.1); c.114+6G>A (NM_001191323.2); c.27+93G>A (NM_001191322.2).
Identifiers: ClinVar variation 1749985 (VCV001749985.23), dbSNP rs367997246, ClinGen allele CA7456110.
Genomic context (GRCh38, chr15:32,730,810, plus strand): 5'-GGCTGCTGAAGGGAAAAAGAAAGGGTCCCAAGGTGCCATCCCCCCGCCAGACAAGGCCCA[G>A]CACAATGACTCAGAGCAGACTCAGTCGCCCCAGCAGCCTGGCTCCAGGAACCGGGGGCGG-3'
Protein context (NP_037504.1, residues 30-50): QGAIPPPDKA[Gln40=]HNDSEQTQSP

ClinVar aggregate classification (germline): Likely benign. Review status: criteria provided, multiple submitters, no conflicts (2 of 4 stars). 4 submissions from 4 submitters: Likely benign (3). 1 of the submissions does not count toward it. Last evaluated 2026-04-21.

Conditions:
GREM1-related disorder. Also called: GREM1-related condition.
Hereditary cancer-predisposing syndrome. Also called: Hereditary neoplastic syndrome; Neoplastic Syndromes, Hereditary; Tumor predisposition; Hereditary Cancer Syndrome. Identifiers: Orphanet 140162, MedGen C0027672, MeSH D009386, MONDO:0015356.

Allele frequency attached by ClinVar (database versions not stated): ExAC 0.00004; gnomAD exomes 0.00004; gnomAD 0.00005; TOPMed 0.00005; ESP Exome Variant Server 0.00008; 1000 Genomes Project 30x 0.00016; 1000 Genomes Project 0.00020.
gnomAD v4.1: 73 of 1,613,976 alleles (0.0045%); highest among the groups gnomAD compares: Non-Finnish European, 0.0056%; no homozygotes.

Submissions (4):

Institute for Biomarker Research, Medical Diagnostic Laboratories, L.L.C.
Classification: Likely benign for Hereditary cancer-predisposing syndrome. Last evaluated: 2026-04-21. Review status: criteria provided, single submitter. Criteria: ACMG Guidelines, 2015. Collection method: clinical testing. Allele origin: germline.
Comment: The synonymous variant NM_013372.7(GREM1):c.120G>A (p.Gln40=) has been reported to ClinVar as Likely benign with a status of (2 stars) criteria provided, multiple submitters, no conflicts (Accession: VCV001749985.18). The p.Gln40= variant is observed in 1/5,008 (0.02%) alleles from individuals of 1kG All background in 1kG. The p.Gln40= variant is not predicted to disrupt an existing splice site. For these reasons, this variant has been classified as Likely Benign.

CeGaT Center for Human Genetics Tuebingen
Classification: Likely benign. Last evaluated: 2024-05-01. Review status: criteria provided, single submitter. Criteria: CeGaT Center For Human Genetics Tuebingen Variant Classification Criteria Version 2. Collection method: clinical testing. Allele origin: germline. Affected: yes. Observed: 1 variant allele.
Comment: GREM1: BP4

Ambry Genetics
Classification: Likely benign for Hereditary cancer-predisposing syndrome. Last evaluated: 2023-09-18. Review status: criteria provided, single submitter. Criteria: Ambry Variant Classification Scheme 2023. Collection method: clinical testing. Allele origin: germline.

PreventionGenetics, part of Exact Sciences
Classification: Likely benign for GREM1-related condition. Last evaluated: 2023-11-06. Review status: no assertion criteria provided. Collection method: clinical testing. Allele origin: germline. Not counted in ClinVar's aggregate classification.
Comment: This variant is classified as likely benign based on ACMG/AMP sequence variant interpretation guidelines (Richards et al. 2015 PMID: 25741868, with internal and published modifications).